The following is an entry in ClinVar:

ClinVar aggregate classification (germline): Uncertain significance (1 of 4 stars; one submission).

gnomAD v4.1: 48 of 1,613,922 alleles (0.003%); highest among the groups gnomAD compares: Non-Finnish European, 0.0037%; no homozygotes.

Submission:

Labcorp Genetics (formerly Invitae), Labcorp
Classification: Uncertain significance. Last evaluated: 2024-09-15. Review status: criteria provided, single submitter. Criteria: Invitae Variant Classification Sherloc (09022015). Collection method: clinical testing. Allele origin: germline.
Comment: This sequence change replaces valine, which is neutral and non-polar, with isoleucine, which is neutral and non-polar, at codon 340 of the SCNN1G protein (p.Val340Ile). This variant is present in population databases (rs774394259, gnomAD 0.004%). This variant has not been reported in the literature in individuals affected with SCNN1G-related conditions. Invitae Evidence Modeling of protein sequence and biophysical properties (such as structural, functional, and spatial information, amino acid conservation, physicochemical variation, residue mobility, and thermodynamic stability) indicates that this missense variant is not expected to disrupt SCNN1G protein function with a negative predictive value of 80%. In summary, the available evidence is currently insufficient to determine the role of this variant in disease. Therefore, it has been classified as a Variant of Uncertain Significance.

NM_001039.4(SCNN1G):c.1018G>A (p.Val340Ile)

Gene: SCNN1G (sodium channel epithelial 1 subunit gamma; plus strand). Cytogenetic location: 16p12.2.
Variant type: single nucleotide variant.
Coding change: c.1018G>A on transcript NM_001039.4 (MANE Select); coding-DNA position 1018, G replaced by A.
Protein change: p.Val340Ile; replaces valine 340 with isoleucine.
Molecular consequence: missense variant.
Genome position (GRCh38, 1-based): chr16:23,197,368, G>A. VCF-style: chr16-23197368-G-A. GRCh37 (hg19) VCF-style: chr16-23208689-G-A.
Other names: short protein forms V340I.
Identifiers: ClinVar variation 3706537 (VCV003706537.2).